The following is an entry in ClinVar:

NM_001346022.3(USP45):c.1950G>T (p.Lys650Asn)

Gene: USP45 (ubiquitin specific peptidase 45; minus strand). Cytogenetic location: 6q16.2.
Variant type: single nucleotide variant.
Coding change: c.1950G>T on transcript NM_001346022.3 (MANE Select); coding-DNA position 1950, G replaced by T.
Protein change: p.Lys650Asn; replaces lysine 650 with asparagine.
Molecular consequence: missense variant. On other transcripts: non-coding transcript variant (2).
Genome position (GRCh38, 1-based): chr6:99,445,822, C>A on the plus strand (G>T on the coding strand, the complement: USP45 is on the minus strand). VCF-style: chr6-99445822-C-A. GRCh37 (hg19) VCF-style: chr6-99893698-C-A.
Other names: c.1950G>T, p.Lys650Asn (NM_001080481.3, NM_001346021.3, NM_001346026.3); c.1947G>T, p.Lys649Asn (NM_001346023.3); c.1776G>T, p.Lys592Asn (NM_001346024.3); c.1773G>T, p.Lys591Asn (NM_001346025.3); c.870G>T, p.Lys290Asn (NM_001346027.3, NM_001346028.3, NM_001346029.3); short protein forms K290N, K591N, K592N, K649N, K650N.
Identifiers: ClinVar variation 3047932 (VCV003047932.2), dbSNP rs112157723, ClinGen allele CA3935189.

ClinVar aggregate classification (germline): Likely benign (0 of 4 stars; one submission).

Conditions:
USP45-related disorder. Also called: USP45-related condition.

Allele frequency attached by ClinVar (database versions not stated): ExAC 0.00110; ESP Exome Variant Server 0.00169; gnomAD 0.00186; TOPMed 0.00187; 1000 Genomes Project 0.00459; 1000 Genomes Project 30x 0.00500.
gnomAD v4.1: 1,218 of 1,581,962 alleles (0.077%); highest among the groups gnomAD compares: East Asian, 0.94%; 6 homozygotes.

Submission:

PreventionGenetics, part of Exact Sciences
Classification: Likely benign for USP45-related condition. Last evaluated: 2022-05-31. Review status: no assertion criteria provided. Collection method: clinical testing. Allele origin: germline.
Comment: This variant is classified as likely benign based on ACMG/AMP sequence variant interpretation guidelines (Richards et al. 2015 PMID: 25741868, with internal and published modifications).